The following is an entry in ClinVar:

ClinVar aggregate classification (germline): Uncertain significance. Review status: criteria provided, multiple submitters, no conflicts (2 of 4 stars). 2 submissions from 2 submitters: Uncertain significance (2). Last evaluated 2026-06-23.

Conditions:
PAX3-related disorder. Also called: PAX3-related condition.
Inborn genetic diseases. Identifiers: MedGen C0950123, MeSH D030342.

gnomAD v4.1: 3 of 1,614,070 alleles (0.00019%); highest among the groups gnomAD compares: Admixed American, 0.0017%; no homozygotes.

Submissions (2):

PreventionGenetics, part of Exact Sciences
Classification: Uncertain significance for PAX3-related condition. Last evaluated: 2026-06-23. Review status: criteria provided, single submitter. Criteria: ACMG Guidelines, 2015. Collection method: clinical testing. Allele origin: germline.
Comment: The PAX3 c.620T>C variant is predicted to result in the amino acid substitution p.Ile207Thr. To our knowledge, this variant has not been reported in the literature. This variant is reported in 0.0058% of alleles in individuals of Latino descent in gnomAD. At this time, the clinical significance of this variant is uncertain due to the absence of conclusive functional and genetic evidence.

Ambry Genetics
Classification: Uncertain significance for Inborn genetic diseases. Last evaluated: 2024-09-26. Review status: criteria provided, single submitter. Criteria: Ambry Variant Classification Scheme 2023. Collection method: clinical testing. Allele origin: germline.

NM_181458.4(PAX3):c.620T>C (p.Ile207Thr)

Gene: PAX3 (paired box 3; minus strand). Cytogenetic location: 2q36.1.
Variant type: single nucleotide variant.
Coding change: c.620T>C on transcript NM_181458.4 (MANE Select); coding-DNA position 620, T replaced by C.
Protein change: p.Ile207Thr; replaces isoleucine 207 with threonine.
Molecular consequence: missense variant.
Genome position (GRCh38, 1-based): chr2:222,232,250, A>G on the plus strand (T>C on the coding strand, the complement: PAX3 is on the minus strand). VCF-style: chr2-222232250-A-G. GRCh37 (hg19) VCF-style: chr2-223096969-A-G.
Other names: c.617T>C, p.Ile206Thr (NM_001127366.3); c.620T>C, p.Ile207Thr (NM_181457.4, NM_181459.4, NM_181460.4 and 1 more transcripts); short protein forms I207T, I206T.
Identifiers: ClinVar variation 3414504 (VCV003414504.2).
Genomic context (GRCh38, chr2:222,232,250, plus strand): 5'-GTGAAGGTGGTTCGGCTTCTGCGCTGTTTCCTCTTTAGTGGTAAATCTGGTTCAGAGTCA[A>G]TATCAGAGCCTTCATCTGATTGGGGTGCTGAGGCTAAAAGCACAGAAGAACAAAACATCA-3'
Protein context (NP_852123.1, residues 197-217): SAPQSDEGSD[Ile207Thr]DSEPDLPLKR